The following is an entry in ClinVar:

ClinVar aggregate classification (germline): Uncertain significance (1 of 4 stars; one submission).

Conditions:
Hereditary cancer-predisposing syndrome. Also called: Neoplastic Syndromes, Hereditary; Tumor predisposition; Hereditary Cancer Syndrome; Hereditary neoplastic syndrome. Identifiers: Orphanet 140162, MedGen C0027672, MeSH D009386, MONDO:0015356.

Submission:

Ambry Genetics
Classification: Uncertain significance for Hereditary cancer-predisposing syndrome. Last evaluated: 2025-10-28. Review status: criteria provided, single submitter. Criteria: Ambry Variant Classification Scheme 2023. Collection method: clinical testing. Allele origin: germline.
Comment: The p.T557P variant (also known as c.1669A>C), located in coding exon 4 of the MET gene, results from an A to C substitution at nucleotide position 1669. The threonine at codon 557 is replaced by proline, an amino acid with highly similar properties. This amino acid position is well conserved in available vertebrate species. In addition, the in silico prediction for this alteration is inconclusive. Based on the available evidence, the clinical significance of this variant remains unclear.

NM_000245.4(MET):c.1669A>C (p.Thr557Pro)

Gene: MET (MET proto-oncogene, receptor tyrosine kinase; plus strand). Cytogenetic location: 7q31.2.
Variant type: single nucleotide variant.
Coding change: c.1669A>C on transcript NM_000245.4 (MANE Select); coding-DNA position 1669, A replaced by C.
Protein change: p.Thr557Pro; replaces threonine 557 with proline.
Molecular consequence: missense variant.
Genome position (GRCh38, 1-based): chr7:116,740,993, A>C. VCF-style: chr7-116740993-A-C. GRCh37 (hg19) VCF-style: chr7-116381047-A-C.
Other names: c.1669A>C, p.Thr557Pro (NM_001127500.3, NM_001324401.3); c.379A>C, p.Thr127Pro (NM_001324402.2); short protein forms T557P, T127P.
Identifiers: ClinVar variation 4647922 (VCV004647922.1).